The following is an entry in ClinVar:

ClinVar aggregate classification (germline): Conflicting classifications of pathogenicity. Review status: criteria provided, conflicting classifications (1 of 4 stars). 4 submissions from 4 submitters: Uncertain significance (2); Likely benign (2). Last evaluated 2025-12-26.

Conditions:
TRIOBP-related disorder. Also called: TRIOBP-related condition.

Allele frequency attached by ClinVar (database versions not stated): ExAC 0.00040; gnomAD 0.00046 and 0.00048; gnomAD exomes 0.00046 and 0.00023; TOPMed 0.00005.
gnomAD v4.1: 404 of 1,611,540 alleles (0.025%); highest among the groups gnomAD compares: Non-Finnish European, 0.014%; no homozygotes.

Submissions (4):

PreventionGenetics, part of Exact Sciences
Classification: Likely benign for TRIOBP-related condition. Last evaluated: 2025-12-26. Review status: criteria provided, single submitter. Criteria: ACMG Guidelines, 2015. Collection method: clinical testing. Allele origin: germline.
Comment: This variant is classified as likely benign based on ACMG/AMP sequence variant interpretation guidelines (Richards et al. 2015 PMID: 25741868, with internal and published modifications).

GeneDx
Classification: Uncertain significance. Last evaluated: 2024-08-19. Review status: criteria provided, single submitter. Criteria: GeneDx Variant Classification Process June 2021. Collection method: clinical testing. Allele origin: germline. Affected: yes.
Comment: Has not been previously published as pathogenic or benign to our knowledge; In silico analysis indicates that this missense variant does not alter protein structure/function; In silico analysis suggests this variant may impact gene splicing. In the absence of RNA/functional studies, the actual effect of this sequence change is unknown.

Mayo Clinic Laboratories, Mayo Clinic
Classification: Uncertain significance. Last evaluated: 2024-05-09. Review status: criteria provided, single submitter. Criteria: ACMG Guidelines, 2015. Collection method: clinical testing. Allele origin: germline. Observed: 1 variant allele.
Comment: BP4, PM2

Labcorp Genetics (formerly Invitae), Labcorp
Classification: Likely benign. Last evaluated: 2023-12-01. Review status: criteria provided, single submitter. Criteria: Invitae Variant Classification Sherloc (09022015). Collection method: clinical testing. Allele origin: germline.

NM_001039141.3(TRIOBP):c.2835C>G (p.Asp945Glu)

Gene: TRIOBP (TRIO and F-actin binding protein; plus strand). Cytogenetic location: 22q13.1.
Variant type: single nucleotide variant.
Coding change: c.2835C>G on transcript NM_001039141.3 (MANE Select); coding-DNA position 2835, C replaced by G.
Protein change: p.Asp945Glu; replaces aspartic acid 945 with glutamic acid.
Molecular consequence: missense variant.
Genome position (GRCh38, 1-based): chr22:37,725,391, C>G. VCF-style: chr22-37725391-C-G. GRCh37 (hg19) VCF-style: chr22-38121398-C-G.
Other names: p.Asp945Glu; short protein forms D945E.
Identifiers: ClinVar variation 1300446 (VCV001300446.12), dbSNP rs200608722, ClinGen allele CA10223971.